The following is an entry in ClinVar:

ClinVar aggregate classification (germline): Uncertain significance (1 of 4 stars; one submission).

Conditions:
Inborn genetic diseases. Identifiers: MedGen C0950123, MeSH D030342.

gnomAD v4.1: 3 of 1,602,324 alleles (0.00019%); highest among the groups gnomAD compares: South Asian, 0.0033%; no homozygotes.

Submission:

Ambry Genetics
Classification: Uncertain significance for Inborn genetic diseases. Last evaluated: 2025-05-31. Review status: criteria provided, single submitter. Criteria: Ambry Variant Classification Scheme 2023. Collection method: clinical testing. Allele origin: germline.
Comment: The p.E1545K variant (also known as c.4633G>A), located in coding exon 31 of the ANKRD26 gene, results from a G to A substitution at nucleotide position 4633. The glutamic acid at codon 1545 is replaced by lysine, an amino acid with similar properties. This amino acid position is conserved. In addition, this alteration is predicted to be tolerated by in silico analysis. Based on the available evidence, the clinical significance of this variant remains unclear.

NM_014915.3(ANKRD26):c.4633G>A (p.Glu1545Lys)

Gene: ANKRD26 (ankyrin repeat domain containing 26; minus strand). Cytogenetic location: 10p12.1.
Variant type: single nucleotide variant.
Coding change: c.4633G>A on transcript NM_014915.3 (MANE Select); coding-DNA position 4633, G replaced by A.
Protein change: p.Glu1545Lys; replaces glutamic acid 1545 with lysine.
Molecular consequence: missense variant.
Genome position (GRCh38, 1-based): chr10:27,014,585, C>T on the plus strand (G>A on the coding strand, the complement: ANKRD26 is on the minus strand). VCF-style: chr10-27014585-C-T. GRCh37 (hg19) VCF-style: chr10-27303514-C-T.
Other names: c.4630G>A, p.Glu1544Lys (NM_001256053.2); short protein forms E1545K, E1544K.
Identifiers: ClinVar variation 3914936 (VCV003914936.1).